The following is an entry in ClinVar:

ClinVar aggregate classification (germline): Uncertain significance. Review status: criteria provided, multiple submitters, no conflicts (2 of 4 stars). 5 submissions from 5 submitters: Uncertain significance (5). Last evaluated 2025-12-10.

Conditions:
ABCA4-related retinopathy. Also called: ABCA4-related retinoapthy; ABCA4 retinoapthy. Identifiers: MedGen CN322612, MONDO:0800406.
ABCA4-related disorder. Also called: ABCA4-related condition; ABCA4-related disorders. Identifiers: MedGen CN239167.

Allele frequency attached by ClinVar (database versions not stated): ExAC 0.00002; gnomAD 0.00002 and 0.00003; gnomAD exomes 0.00002; TOPMed 0.00005.
gnomAD v4.1: 59 of 1,614,088 alleles (0.0037%); highest among the groups gnomAD compares: Middle Eastern, 0.016%; no homozygotes.

Submissions (5):

Labcorp Genetics (formerly Invitae), Labcorp
Classification: Uncertain significance. Last evaluated: 2025-12-10. Review status: criteria provided, single submitter. Criteria: Invitae Variant Classification Sherloc (09022015). Collection method: clinical testing. Allele origin: germline.
Comment: This sequence change replaces threonine, which is neutral and polar, with isoleucine, which is neutral and non-polar, at codon 1989 of the ABCA4 protein (p.Thr1989Ile). This variant is present in population databases (rs766811018, gnomAD 0.006%). This missense change has been observed in individual(s) with clinical features of Stargardt disease (PMID: 34315337). ClinVar contains an entry for this variant (Variation ID: 1519612). Invitae Evidence Modeling of protein sequence and biophysical properties (such as structural, functional, and spatial information, amino acid conservation, physicochemical variation, residue mobility, and thermodynamic stability) indicates that this missense variant is not expected to disrupt ABCA4 protein function with a negative predictive value of 95%. In summary, the available evidence is currently insufficient to determine the role of this variant in disease. Therefore, it has been classified as a Variant of Uncertain Significance.

PreventionGenetics, part of Exact Sciences
Classification: Uncertain significance for ABCA4-related condition. Last evaluated: 2024-12-13. Review status: criteria provided, single submitter. Criteria: ACMG Guidelines, 2015. Collection method: clinical testing. Allele origin: germline.
Comment: The ABCA4 c.5966C>T variant is predicted to result in the amino acid substitution p.Thr1989Ile. This variant has been reported in the absence of a second variant in an individual with retinal disease (Duzkale et al. 2021. PubMed ID: 34315337). This variant is present in 0.0054% of alleles in individuals of European (Non-Finnish) descent in gnomAD. At this time, the clinical significance of this variant is uncertain due to the absence of conclusive functional and genetic evidence.

GeneDx
Classification: Uncertain significance. Last evaluated: 2024-10-04. Review status: criteria provided, single submitter. Criteria: GeneDx Variant Classification Process June 2021. Collection method: clinical testing. Allele origin: germline. Affected: yes.
Comment: In silico analysis supports that this missense variant has a deleterious effect on protein structure/function; This variant is associated with the following publications: (PMID: 34315337)

Blueprint Genetics
Classification: Uncertain significance. Last evaluated: 2022-10-05. Review status: criteria provided, single submitter. Criteria: ACMG Guidelines, 2015. Collection method: clinical testing. Allele origin: germline.

Department of Pathology and Laboratory Medicine, Sinai Health System
Classification: Uncertain significance for ABCA4-related retinopathy. Last evaluated: 2022-09-07. Review status: criteria provided, single submitter. Criteria: ACMG Guidelines, 2015. Collection method: research. Allele origin: germline.

Literature cited by the submitters: PubMed 34315337 (cited by Labcorp Genetics (formerly Invitae), Labcorp).

NM_000350.3(ABCA4):c.5966C>T (p.Thr1989Ile)

Gene: ABCA4 (ATP binding cassette subfamily A member 4; minus strand). Cytogenetic location: 1p22.1.
Variant type: single nucleotide variant.
Coding change: c.5966C>T on transcript NM_000350.3 (MANE Select); coding-DNA position 5966, C replaced by T.
Protein change: p.Thr1989Ile; replaces threonine 1989 with isoleucine.
Molecular consequence: missense variant.
Genome position (GRCh38, 1-based): chr1:94,007,673, G>A on the plus strand (C>T on the coding strand, the complement: ABCA4 is on the minus strand). VCF-style: chr1-94007673-G-A. GRCh37 (hg19) VCF-style: chr1-94473229-G-A.
Other names: c.5966C>T (NM_000350.2); c.5744C>T, p.Thr1915Ile (NM_001425324.1); short protein forms T1989I, T1915I.
Identifiers: ClinVar variation 1519612 (VCV001519612.12), dbSNP rs766811018, ClinGen allele CA957057.